The following is an entry in ClinVar:

ClinVar aggregate classification (germline): Uncertain significance (1 of 4 stars; one submission).

Submission:

GeneDx
Classification: Uncertain significance. Last evaluated: 2025-03-27. Review status: criteria provided, single submitter. Criteria: GeneDx Variant Classification Process June 2021. Collection method: clinical testing. Allele origin: germline. Affected: yes.
Comment: Not observed at significant frequency in large population cohorts (gnomAD); In silico analysis supports that this missense variant has a deleterious effect on protein structure/function; Has not been previously published as pathogenic or benign to our knowledge.

NM_024408.4(NOTCH2):c.1498A>G (p.Ser500Gly)

Gene: NOTCH2 (notch receptor 2; minus strand). Cytogenetic location: 1p12.
Variant type: single nucleotide variant.
Coding change: c.1498A>G on transcript NM_024408.4 (MANE Select); coding-DNA position 1498, A replaced by G.
Protein change: p.Ser500Gly; replaces serine 500 with glycine.
Molecular consequence: missense variant.
Genome position (GRCh38, 1-based): chr1:119,966,445, T>C on the plus strand (A>G on the coding strand, the complement: NOTCH2 is on the minus strand). VCF-style: chr1-119966445-T-C. GRCh37 (hg19) VCF-style: chr1-120509068-T-C.
Other names: c.1498A>G, p.Ser500Gly (NM_001200001.2); short protein forms S500G.
Identifiers: ClinVar variation 4087996 (VCV004087996.1).